The following is an entry in ClinVar:

ClinVar aggregate classification (germline): Likely benign (1 of 4 stars; one submission).

Conditions:
DNAJB11-related disorder. Also called: DNAJB11-related condition.

gnomAD v4.1: 1 of 1,612,820 alleles (0.000062%); highest among the groups gnomAD compares: Non-Finnish European, 0.000085%; no homozygotes.

Submission:

PreventionGenetics, part of Exact Sciences
Classification: Likely benign for DNAJB11-related condition. Last evaluated: 2025-11-24. Review status: criteria provided, single submitter. Criteria: ACMG Guidelines, 2015. Collection method: clinical testing. Allele origin: germline.
Comment: This variant is classified as likely benign based on ACMG/AMP sequence variant interpretation guidelines (Richards et al. 2015 PMID: 25741868, with internal and published modifications).

NM_016306.6(DNAJB11):c.606G>A (p.Val202=)

Gene: DNAJB11 (DnaJ heat shock protein family (Hsp40) member B11; plus strand). Cytogenetic location: 3q27.3.
Variant type: single nucleotide variant.
Coding change: c.606G>A on transcript NM_016306.6 (MANE Select); coding-DNA position 606, G replaced by A.
Protein change: p.Val202=; no amino-acid change (valine 202 retained).
Molecular consequence: synonymous variant. On other transcripts: non-coding transcript variant (6).
Genome position (GRCh38, 1-based): chr3:186,582,001, G>A. VCF-style: chr3-186582001-G-A. GRCh37 (hg19) VCF-style: chr3-186299790-G-A.
Other names: c.330G>A, p.Val110= (NM_001378451.1).
Identifiers: ClinVar variation 4986444 (VCV004986444.1).